The following is an entry in ClinVar:

ClinVar aggregate classification (germline): Uncertain significance (1 of 4 stars; one submission).

Conditions:
Ehlers-Danlos syndrome, classic type, 1 (EDSCL1). Also called: EDS I; EHLERS-DANLOS SYNDROME, GRAVIS TYPE; EHLERS-DANLOS SYNDROME, SEVERE CLASSIC TYPE; Ehlers-Danlos syndrome, type 1; Ehlers-Danlos Syndrome, Classic Type, COL5A1-Related. Identifiers: MedGen C0268335, MONDO:0019567, OMIM 130000.

Submission:

Labcorp Genetics (formerly Invitae), Labcorp
Classification: Uncertain significance for Ehlers-Danlos syndrome, classic type, 1. Last evaluated: 2023-04-26. Review status: criteria provided, single submitter. Criteria: Invitae Variant Classification Sherloc (09022015). Collection method: clinical testing. Allele origin: germline.
Comment: In summary, the available evidence is currently insufficient to determine the role of this variant in disease. Therefore, it has been classified as a Variant of Uncertain Significance. Advanced modeling of protein sequence and biophysical properties (such as structural, functional, and spatial information, amino acid conservation, physicochemical variation, residue mobility, and thermodynamic stability) performed at Invitae indicates that this missense variant is not expected to disrupt COL5A1 protein function. This variant has not been reported in the literature in individuals affected with COL5A1-related conditions. This variant is not present in population databases (gnomAD no frequency). This sequence change replaces phenylalanine, which is neutral and non-polar, with leucine, which is neutral and non-polar, at codon 207 of the COL5A1 protein (p.Phe207Leu).

NM_000093.5(COL5A1):c.621T>G (p.Phe207Leu)

Gene: COL5A1 (collagen type V alpha 1 chain; plus strand). Cytogenetic location: 9q34.3.
Variant type: single nucleotide variant.
Coding change: c.621T>G on transcript NM_000093.5 (MANE Select); coding-DNA position 621, T replaced by G.
Protein change: p.Phe207Leu; replaces phenylalanine 207 with leucine.
Molecular consequence: missense variant.
Genome position (GRCh38, 1-based): chr9:134,701,300, T>G. VCF-style: chr9-134701300-T-G. GRCh37 (hg19) VCF-style: chr9-137593146-T-G.
Other names: c.621T>G, p.Phe207Leu (NM_001278074.1); short protein forms F207L.
Identifiers: ClinVar variation 2901282 (VCV002901282.3), dbSNP rs2491268238, ClinGen allele CA375443478.